The following is an entry in ClinVar:

ClinVar aggregate classification (germline): Conflicting classifications of pathogenicity. Review status: criteria provided, conflicting classifications (1 of 4 stars). 4 submissions from 4 submitters: Uncertain significance (1); Benign (1); Likely benign (2). Last evaluated 2025-12-28.

Conditions:
ABCA4-related disorder. Also called: ABCA4-related disorders; ABCA4-related condition. Identifiers: MedGen CN239167.

Allele frequency attached by ClinVar (database versions not stated): ESP Exome Variant Server 0.00031; TOPMed 0.00010.
gnomAD v4.1: 158 of 1,613,964 alleles (0.0098%); highest among the groups gnomAD compares: Middle Eastern, 0.016%; no homozygotes.

Submissions (4):

Labcorp Genetics (formerly Invitae), Labcorp
Classification: Benign. Last evaluated: 2025-12-28. Review status: criteria provided, single submitter. Criteria: Invitae Variant Classification Sherloc (09022015). Collection method: clinical testing. Allele origin: germline.

PreventionGenetics, part of Exact Sciences
Classification: Likely benign for ABCA4-related condition. Last evaluated: 2024-10-03. Review status: criteria provided, single submitter. Criteria: ACMG Guidelines, 2015. Collection method: clinical testing. Allele origin: germline.
Comment: This variant is classified as likely benign based on ACMG/AMP sequence variant interpretation guidelines (Richards et al. 2015 PMID: 25741868, with internal and published modifications).

Blueprint Genetics
Classification: Likely benign. Last evaluated: 2023-04-19. Review status: criteria provided, single submitter. Criteria: ACMG Guidelines, 2015. Collection method: clinical testing. Allele origin: germline.

Illumina Laboratory Services, Illumina
Classification: Uncertain significance for ABCA4-Related Disorders. Last evaluated: 2018-01-15. Review status: criteria provided, single submitter. Criteria: ICSL Variant Classification Criteria 13 December 2019. Collection method: clinical testing. Allele origin: germline.

NM_000350.3(ABCA4):c.3051-15G>T

Gene: ABCA4 (ATP binding cassette subfamily A member 4; minus strand). Cytogenetic location: 1p22.1.
Variant type: single nucleotide variant.
Coding change: c.3051-15G>T on transcript NM_000350.3 (MANE Select); 15 bases into the intron before coding-DNA position 3051, G replaced by T.
Molecular consequence: intron variant.
Genome position (GRCh38, 1-based): chr1:94,043,490, C>A on the plus strand (G>T on the coding strand, the complement: ABCA4 is on the minus strand). VCF-style: chr1-94043490-C-A. GRCh37 (hg19) VCF-style: chr1-94509046-C-A.
Identifiers: ClinVar variation 875782 (VCV000875782.14), dbSNP rs200223777, ClinGen allele CA958055.